The following is an entry in ClinVar:

NM_000038.6(APC):c.4226C>T (p.Pro1409Leu)

Gene: APC (APC regulator of Wnt signaling pathway; plus strand). Cytogenetic location: 5q22.2.
Variant type: single nucleotide variant.
Coding change: c.4226C>T on transcript NM_000038.6 (MANE Select); coding-DNA position 4226, C replaced by T.
Protein change: p.Pro1409Leu; replaces proline 1409 with leucine.
Molecular consequence: missense variant.
Genome position (GRCh38, 1-based): chr5:112,839,820, C>T. VCF-style: chr5-112839820-C-T. GRCh37 (hg19) VCF-style: chr5-112175517-C-T.
Other names: c.4226C>T, p.Pro1409Leu (NM_001127510.3, NM_001354895.2); c.4172C>T, p.Pro1391Leu (NM_001127511.3); c.4280C>T, p.Pro1427Leu (NM_001354896.2); c.4256C>T, p.Pro1419Leu (NM_001354897.2); c.4151C>T, p.Pro1384Leu (NM_001354898.2); c.4142C>T, p.Pro1381Leu (NM_001354899.2); c.4103C>T, p.Pro1368Leu (NM_001354900.2); c.4049C>T, p.Pro1350Leu (NM_001354901.2); and 5 more; short protein forms P1391L, P1409L, P1126L, P1249L, P1350L, P1368L, P1384L, P1283L.
Identifiers: ClinVar variation 854898 (VCV000854898.12), dbSNP rs1765629286, ClinGen allele CA16030592.

ClinVar aggregate classification (germline): Uncertain significance. Review status: criteria provided, multiple submitters, no conflicts (2 of 4 stars). 3 submissions from 3 submitters: Uncertain significance (3). Last evaluated 2026-03-20.

Conditions:
Familial adenomatous polyposis 1 (FAP1). Also called: FAMILIAL ADENOMATOUS POLYPOSIS 1, ATTENUATED; POLYPOSIS, ADENOMATOUS INTESTINAL. Identifiers: MedGen C2713442, MONDO:0021056, OMIM 175100. Disease mechanism: loss of function.
Hereditary cancer-predisposing syndrome. Also called: Tumor predisposition; Neoplastic Syndromes, Hereditary; Hereditary neoplastic syndrome; Hereditary Cancer Syndrome. Identifiers: Orphanet 140162, MedGen C0027672, MeSH D009386, MONDO:0015356.

Submissions (3):

Ambry Genetics
Classification: Uncertain significance for Hereditary cancer-predisposing syndrome. Last evaluated: 2026-03-20. Review status: criteria provided, single submitter. Criteria: Ambry Variant Classification Scheme 2023. Collection method: clinical testing. Allele origin: germline.
Comment: The p.P1409L variant (also known as c.4226C>T), located in coding exon 15 of the APC gene, results from a C to T substitution at nucleotide position 4226. The proline at codon 1409 is replaced by leucine, an amino acid with similar properties. This amino acid position is conserved. In addition, in silico predictors for this gene do not accurately predict pathogenicity. Based on the available evidence, the clinical significance of this variant remains unclear.

Color Diagnostics, LLC DBA Color Health
Classification: Uncertain significance for Hereditary cancer-predisposing syndrome. Last evaluated: 2025-11-11. Review status: criteria provided, single submitter. Criteria: ACMG Guidelines, 2015. Collection method: clinical testing. Allele origin: germline.
Comment: This missense variant replaces proline with leucine at codon 1409 of the APC protein. Computational prediction suggests that this variant may not impact protein structure and function. APC is defined as a gene for which primarily truncating variants are known to cause disease (ClinGen HCCP VCEP). To our knowledge, functional studies have not been reported for this variant. This variant has not been reported in individuals affected with APC-related disorders in the literature. This variant has not been identified in the general population by the Genome Aggregation Database (gnomAD). The available evidence is insufficient to determine the role of this variant in disease conclusively. Therefore, this variant is classified as a Variant of Uncertain Significance.

Labcorp Genetics (formerly Invitae), Labcorp
Classification: Uncertain significance for Familial adenomatous polyposis 1. Last evaluated: 2025-09-12. Review status: criteria provided, single submitter. Criteria: Invitae Variant Classification Sherloc (09022015). Collection method: clinical testing. Allele origin: germline.
Comment: This sequence change replaces proline, which is neutral and non-polar, with leucine, which is neutral and non-polar, at codon 1409 of the APC protein (p.Pro1409Leu). This variant is not present in population databases (gnomAD no frequency). This variant has not been reported in the literature in individuals affected with APC-related conditions. ClinVar contains an entry for this variant (Variation ID: 854898). Invitae Evidence Modeling of protein sequence and biophysical properties (such as structural, functional, and spatial information, amino acid conservation, physicochemical variation, residue mobility, and thermodynamic stability) indicates that this missense variant is not expected to disrupt APC protein function with a negative predictive value of 95%. In summary, the available evidence is currently insufficient to determine the role of this variant in disease. Therefore, it has been classified as a Variant of Uncertain Significance.